The following is an entry in ClinVar:

ClinVar aggregate classification (germline): Uncertain significance. Review status: criteria provided, multiple submitters, no conflicts (2 of 4 stars). 2 submissions from 2 submitters: Uncertain significance (2). Last evaluated 2025-09-11.

Conditions:
Inborn genetic diseases. Identifiers: MedGen C0950123, MeSH D030342.
Autosomal dominant Parkinson disease 8. Also called: LRRK2-Related Parkinson Disease; Parkinson disease 8; Parkinson disease 8, susceptibility to. Identifiers: Orphanet 411602, MedGen C1846862, MONDO:0011764, OMIM 607060.

Allele frequency attached by ClinVar (database versions not stated): gnomAD exomes below 0.00001.
gnomAD v4.1: 2 of 1,611,922 alleles (0.00012%); highest among the groups gnomAD compares: Non-Finnish European, 0.00017%; no homozygotes.

Submissions (2):

Labcorp Genetics (formerly Invitae), Labcorp
Classification: Uncertain significance for Autosomal dominant Parkinson disease 8. Last evaluated: 2025-09-11. Review status: criteria provided, single submitter. Criteria: Invitae Variant Classification Sherloc (09022015). Collection method: clinical testing. Allele origin: germline.
Comment: This sequence change replaces cysteine, which is neutral and slightly polar, with phenylalanine, which is neutral and non-polar, at codon 371 of the LRRK2 protein (p.Cys371Phe). This variant is not present in population databases (gnomAD no frequency). This variant has not been reported in the literature in individuals affected with LRRK2-related conditions. ClinVar contains an entry for this variant (Variation ID: 2587288). Invitae Evidence Modeling of protein sequence and biophysical properties (such as structural, functional, and spatial information, amino acid conservation, physicochemical variation, residue mobility, and thermodynamic stability) has been performed for this missense variant. However, the output from this modeling did not meet the statistical confidence thresholds required to predict the impact of this variant on LRRK2 protein function. In summary, the available evidence is currently insufficient to determine the role of this variant in disease. Therefore, it has been classified as a Variant of Uncertain Significance.

Ambry Genetics
Classification: Uncertain significance for Inborn genetic diseases. Last evaluated: 2023-08-13. Review status: criteria provided, single submitter. Criteria: Ambry Variant Classification Scheme 2023. Collection method: clinical testing. Allele origin: germline.
Comment: The p.C371F variant (also known as c.1112G>T), located in coding exon 10 of the LRRK2 gene, results from a G to T substitution at nucleotide position 1112. The cysteine at codon 371 is replaced by phenylalanine, an amino acid with highly dissimilar properties. This amino acid position is conserved. In addition, the in silico prediction for this alteration is inconclusive. Since supporting evidence is limited at this time, the clinical significance of this alteration remains unclear.

NM_198578.4(LRRK2):c.1112G>T (p.Cys371Phe)

Gene: LRRK2 (leucine rich repeat kinase 2; plus strand). Cytogenetic location: 12q12.
Variant type: single nucleotide variant.
Coding change: c.1112G>T on transcript NM_198578.4 (MANE Select); coding-DNA position 1112, G replaced by T.
Protein change: p.Cys371Phe; replaces cysteine 371 with phenylalanine.
Molecular consequence: missense variant.
Genome position (GRCh38, 1-based): chr12:40,251,475, G>T. VCF-style: chr12-40251475-G-T. GRCh37 (hg19) VCF-style: chr12-40645277-G-T.
Other names: short protein forms C371F.
Identifiers: ClinVar variation 2587288 (VCV002587288.3), dbSNP rs2499505253, ClinGen allele CA384408049.